The following is an entry in ClinVar:

ClinVar aggregate classification (germline): Uncertain significance. Review status: criteria provided, multiple submitters, no conflicts (2 of 4 stars). 2 submissions from 2 submitters: Uncertain significance (2). Last evaluated 2024-10-21.

Conditions:
Inborn genetic diseases. Identifiers: MedGen C0950123, MeSH D030342.

Allele frequency attached by ClinVar (database versions not stated): gnomAD exomes 0.00009; ExAC 0.00016.
gnomAD v4.1: 51 of 1,590,494 alleles (0.0032%); highest among the groups gnomAD compares: East Asian, 0.0068%; no homozygotes.

Submissions (2):

Labcorp Genetics (formerly Invitae), Labcorp
Classification: Uncertain significance. Last evaluated: 2024-10-21. Review status: criteria provided, single submitter. Criteria: Invitae Variant Classification Sherloc (09022015). Collection method: clinical testing. Allele origin: germline.
Comment: This sequence change replaces glycine, which is neutral and non-polar, with serine, which is neutral and polar, at codon 934 of the COL18A1 protein (p.Gly934Ser). This variant is present in population databases (rs775944368, gnomAD 0.02%). This variant has not been reported in the literature in individuals affected with COL18A1-related conditions. ClinVar contains an entry for this variant (Variation ID: 1433772). Experimental studies and prediction algorithms are not available or were not evaluated, and the functional significance of this variant is currently unknown. In summary, the available evidence is currently insufficient to determine the role of this variant in disease. Therefore, it has been classified as a Variant of Uncertain Significance.

Ambry Genetics
Classification: Uncertain significance for Inborn genetic diseases. Last evaluated: 2022-12-02. Review status: criteria provided, single submitter. Criteria: Ambry Variant Classification Scheme 2023. Collection method: clinical testing. Allele origin: germline.

NM_001379500.1(COL18A1):c.2800G>A (p.Gly934Ser)

Genes: COL18A1 (collagen type XVIII alpha 1 chain; plus strand), SLC19A1 (solute carrier family 19 member 1; minus strand). Cytogenetic location: 21q22.3.
Variant type: single nucleotide variant.
Coding change: c.2800G>A on transcript NM_001379500.1 (MANE Select); coding-DNA position 2800, G replaced by A.
Protein change: p.Gly934Ser; replaces glycine 934 with serine.
Molecular consequence: missense variant.
Genome position (GRCh38, 1-based): chr21:45,504,488, G>A. VCF-style: chr21-45504488-G-A. GRCh37 (hg19) VCF-style: chr21-46924402-G-A.
Other names: NM_130445.2:c.2800G>A; c.3340G>A, p.Gly1114Ser (NM_030582.4); c.4045G>A, p.Gly1349Ser (NM_130444.3); short protein forms G934S, G1114S, G1349S.
Identifiers: ClinVar variation 1433772 (VCV001433772.7), dbSNP rs775944368, ClinGen allele CA10067474.